The following is an entry in ClinVar:

NM_000298.6(PKLR):c.1091G>A (p.Gly364Asp)

Gene: PKLR (pyruvate kinase L/R; minus strand). Cytogenetic location: 1q22.
Variant type: single nucleotide variant.
Coding change: c.1091G>A on transcript NM_000298.6 (MANE Select); coding-DNA position 1091, G replaced by A.
Protein change: p.Gly364Asp; replaces glycine 364 with aspartic acid.
Molecular consequence: missense variant.
Genome position (GRCh38, 1-based): chr1:155,294,260, C>T on the plus strand (G>A on the coding strand, the complement: PKLR is on the minus strand). VCF-style: chr1-155294260-C-T. GRCh37 (hg19) VCF-style: chr1-155264051-C-T.
Other names: c.1091G>A (NM_000298.5); c.998G>A, p.Gly333Asp (NM_181871.4); short protein forms G364D, G333D.
Identifiers: ClinVar variation 1456959 (VCV001456959.12), dbSNP rs981579065, ClinGen allele CA30902838.

ClinVar aggregate classification (germline): Pathogenic. Review status: criteria provided, multiple submitters, no conflicts (2 of 4 stars). 5 submissions from 5 submitters: Pathogenic (5). Last evaluated 2025-06-10.

Conditions:
PKLR-related disorder. Also called: PKLR-related condition.

Allele frequency attached by ClinVar (database versions not stated): gnomAD exomes below 0.00001 and 0.00003; gnomAD 0.00001; TOPMed 0.00001.
gnomAD v4.1: 17 of 1,614,090 alleles (0.0011%); highest among the groups gnomAD compares: Non-Finnish European, 0.0014%; no homozygotes.

Submissions (5):

PreventionGenetics, part of Exact Sciences
Classification: Pathogenic for PKLR-related condition. Last evaluated: 2025-06-10. Review status: criteria provided, single submitter. Criteria: ACMG Guidelines, 2015. Collection method: clinical testing. Allele origin: germline.
Comment: The PKLR c.1091G>A variant is predicted to result in the amino acid substitution p.Gly364Asp. This variant has been reported in homozygous or compound heterozygous state in multiple individuals with Pyruvate Kinase Deficiency (see for example: van Solinge et al. 1997. PubMed ID: 9389718; Jensen et al. 2020. PubMed ID: 32273473), and in vitro functional studies have demonstrated that it impacts the enzyme stability and catalytic activity (Valentini et al. 2002. PubMed ID: 11960989). This variant is reported in 0.00088% of alleles in individuals of European (Non-Finnish) descent in gnomAD. This variant is interpreted as pathogenic.

Center for Genomic Medicine, Rigshospitalet, Copenhagen University Hospital
Classification: Pathogenic. Last evaluated: 2025-03-04. Review status: criteria provided, single submitter. Criteria: ACMG Guidelines, 2015. Collection method: clinical testing. Allele origin: germline.

Labcorp Genetics (formerly Invitae), Labcorp
Classification: Pathogenic. Last evaluated: 2024-12-24. Review status: criteria provided, single submitter. Criteria: Invitae Variant Classification Sherloc (09022015). Collection method: clinical testing. Allele origin: germline.
Comment: This sequence change replaces glycine, which is neutral and non-polar, with aspartic acid, which is acidic and polar, at codon 364 of the PKLR protein (p.Gly364Asp). This variant is present in population databases (no rsID available, gnomAD 0.0009%). This missense change has been observed in individual(s) with pyruvate kinase deficiency (PMID: 9389718, 32273473). In at least one individual the data is consistent with being in trans (on the opposite chromosome) from a pathogenic variant. It has also been observed to segregate with disease in related individuals. ClinVar contains an entry for this variant (Variation ID: 1456959). Invitae Evidence Modeling of protein sequence and biophysical properties (such as structural, functional, and spatial information, amino acid conservation, physicochemical variation, residue mobility, and thermodynamic stability) has been performed for this missense variant. However, the output from this modeling did not meet the statistical confidence thresholds required to predict the impact of this variant on PKLR protein function. Experimental studies have shown that this missense change affects PKLR function (PMID: 11960989). For these reasons, this variant has been classified as Pathogenic.

Blueprint Genetics
Classification: Pathogenic for PKLR-related disorders. Last evaluated: 2024-11-18. Review status: criteria provided, single submitter. Criteria: ACMG Guidelines, 2015. Collection method: clinical testing. Allele origin: germline. Affected: yes. Observed: 5 variant alleles.

Revvity Omics, Revvity
Classification: Pathogenic. Last evaluated: 2024-01-23. Review status: criteria provided, single submitter. Criteria: ACMG Guidelines, 2015. Collection method: clinical testing. Allele origin: germline.

Literature cited by the submitters: PubMed 32273473 (cited by Center for Genomic Medicine, Rigshospitalet, Copenhagen University Hospital and Labcorp Genetics (formerly Invitae), Labcorp); PubMed 11960989 (cited by Center for Genomic Medicine, Rigshospitalet, Copenhagen University Hospital and Labcorp Genetics (formerly Invitae), Labcorp); PubMed 9389718 (cited by Labcorp Genetics (formerly Invitae), Labcorp).